The following is an entry in ClinVar:

NM_014712.3(SETD1A):c.2070C>T (p.Leu690=)

Gene: SETD1A (SET domain containing 1A, histone lysine methyltransferase; plus strand). Cytogenetic location: 16p11.2.
Variant type: single nucleotide variant.
Coding change: c.2070C>T on transcript NM_014712.3 (MANE Select); coding-DNA position 2070, C replaced by T.
Protein change: p.Leu690=; no amino-acid change (leucine 690 retained).
Molecular consequence: synonymous variant.
Genome position (GRCh38, 1-based): chr16:30,965,951, C>T. VCF-style: chr16-30965951-C-T. GRCh37 (hg19) VCF-style: chr16-30977272-C-T.
Identifiers: ClinVar variation 3388391 (VCV003388391.15).

ClinVar aggregate classification (germline): Likely benign. Review status: criteria provided, multiple submitters, no conflicts (2 of 4 stars). 2 submissions from 2 submitters: Likely benign (2). Last evaluated 2026-01-01.

gnomAD v4.1: 281 of 1,606,708 alleles (0.017%); highest among the groups gnomAD compares: Middle Eastern, 0.38%; 2 homozygotes.

Submissions (2):

CeGaT Center for Human Genetics Tuebingen
Classification: Likely benign. Last evaluated: 2026-01-01. Review status: criteria provided, single submitter. Criteria: CeGaT Center For Human Genetics Tuebingen Variant Classification Criteria Version 2. Collection method: clinical testing. Allele origin: germline. Affected: yes. Observed: 3 variant alleles.
Comment: SETD1A: BP4, BP7

Blueprint Genetics
Classification: Likely benign. Last evaluated: 2024-09-10. Review status: criteria provided, single submitter. Criteria: ACMG Guidelines, 2015. Collection method: clinical testing. Allele origin: germline.